The following is an entry in ClinVar:

NM_000090.4(COL3A1):c.4364A>G (p.Glu1455Gly)

Gene: COL3A1 (collagen type III alpha 1 chain; plus strand). Cytogenetic location: 2q32.2.
Variant type: single nucleotide variant.
Coding change: c.4364A>G on transcript NM_000090.4 (MANE Select); coding-DNA position 4364, A replaced by G.
Protein change: p.Glu1455Gly; replaces glutamic acid 1455 with glycine.
Molecular consequence: missense variant.
Genome position (GRCh38, 1-based): chr2:189,011,737, A>G. VCF-style: chr2-189011737-A-G. GRCh37 (hg19) VCF-style: chr2-189876463-A-G.
Other names: short protein forms E1455G.
Identifiers: ClinVar variation 4758687 (VCV004758687.1).

ClinVar aggregate classification (germline): Uncertain significance (1 of 4 stars; one submission).

Conditions:
Familial thoracic aortic aneurysm and aortic dissection (TAAD). Also called: Thoracic aortic aneurysms and dissections. Identifiers: Orphanet 91387, MedGen C4707243, MONDO:0019625.

Submission:

Color Diagnostics, LLC DBA Color Health
Classification: Uncertain significance for Familial thoracic aortic aneurysm and aortic dissection. Last evaluated: 2025-05-30. Review status: criteria provided, single submitter. Criteria: ACMG Guidelines, 2015. Collection method: clinical testing. Allele origin: germline.
Comment: This missense variant replaces glutamic acid with glycine at codon 1455 of the COL3A1 protein. Computational prediction suggests that this variant may have a deleterious impact on protein structure and function. To our knowledge, functional studies have not been reported for this variant. This variant has not been reported in individuals affected with COL3A1-related disorders in the literature. This variant has not been identified in the general population by the Genome Aggregation Database (gnomAD). The available evidence is insufficient to determine the role of this variant in disease conclusively. Therefore, this variant is classified as a Variant of Uncertain Significance.